The following is an entry in ClinVar:

NM_052876.4(NACC1):c.703G>T (p.Val235Leu)

Gene: NACC1 (nucleus accumbens associated 1; plus strand). Cytogenetic location: 19p13.13.
Variant type: single nucleotide variant.
Coding change: c.703G>T on transcript NM_052876.4 (MANE Select); coding-DNA position 703, G replaced by T.
Protein change: p.Val235Leu; replaces valine 235 with leucine.
Molecular consequence: missense variant.
Genome position (GRCh38, 1-based): chr19:13,135,910, G>T. VCF-style: chr19-13135910-G-T. GRCh37 (hg19) VCF-style: chr19-13246724-G-T.
Other names: short protein forms V235L.
Identifiers: ClinVar variation 1720372 (VCV001720372.5), dbSNP rs773484210, ClinGen allele CA404325936.

ClinVar aggregate classification (germline): Uncertain significance (1 of 4 stars; one submission).

Submission:

Labcorp Genetics (formerly Invitae), Labcorp
Classification: Uncertain significance. Last evaluated: 2022-09-25. Review status: criteria provided, single submitter. Criteria: Invitae Variant Classification Sherloc (09022015). Collection method: clinical testing. Allele origin: germline.
Comment: This sequence change replaces valine, which is neutral and non-polar, with leucine, which is neutral and non-polar, at codon 235 of the NACC1 protein (p.Val235Leu). This variant is not present in population databases (gnomAD no frequency). This variant has not been reported in the literature in individuals affected with NACC1-related conditions. Advanced modeling of protein sequence and biophysical properties (such as structural, functional, and spatial information, amino acid conservation, physicochemical variation, residue mobility, and thermodynamic stability) performed at Invitae indicates that this missense variant is not expected to disrupt NACC1 protein function. In summary, the available evidence is currently insufficient to determine the role of this variant in disease. Therefore, it has been classified as a Variant of Uncertain Significance.